The following is an entry in ClinVar:

NM_000124.4(ERCC6):c.598G>A (p.Gly200Arg)

Gene: ERCC6 (ERCC excision repair 6, chromatin remodeling factor; minus strand). Cytogenetic location: 10q11.23.
Variant type: single nucleotide variant.
Coding change: c.598G>A on transcript NM_000124.4 (MANE Select); coding-DNA position 598, G replaced by A.
Protein change: p.Gly200Arg; replaces glycine 200 with arginine.
Molecular consequence: missense variant.
Genome position (GRCh38, 1-based): chr10:49,528,471, C>T on the plus strand (G>A on the coding strand, the complement: ERCC6 is on the minus strand). VCF-style: chr10-49528471-C-T. GRCh37 (hg19) VCF-style: chr10-50736517-C-T.
Other names: c.598G>A, p.Gly200Arg (NM_001277058.2, NM_001277059.2, NM_001346440.2); short protein forms G200R.
Identifiers: ClinVar variation 5008333 (VCV005008333.1).

ClinVar aggregate classification (germline): Uncertain significance (1 of 4 stars; one submission).

Submission:

GeneDx
Classification: Uncertain significance. Last evaluated: 2026-03-01. Review status: criteria provided, single submitter. Criteria: GeneDx Variant Classification Process June 2021. Collection method: clinical testing. Allele origin: germline.
Comment: Not observed at significant frequency in large population cohorts (gnomAD); In silico analysis supports that this missense variant has a deleterious effect on protein structure/function; Has not been previously published as pathogenic or benign to our knowledge